The following is an entry in ClinVar:

NM_022367.4(SEMA4A):c.1733T>A (p.Leu578His)

Gene: SEMA4A (semaphorin 4A; plus strand). Cytogenetic location: 1q22.
Variant type: single nucleotide variant.
Coding change: c.1733T>A on transcript NM_022367.4 (MANE Select); coding-DNA position 1733, T replaced by A.
Protein change: p.Leu578His; replaces leucine 578 with histidine.
Molecular consequence: missense variant.
Genome position (GRCh38, 1-based): chr1:156,176,444, T>A. VCF-style: chr1-156176444-T-A. GRCh37 (hg19) VCF-style: chr1-156146235-T-A.
Other names: c.1733T>A, p.Leu578His (NM_001193300.2, NM_001193301.2, NM_001370567.1); c.1337T>A, p.Leu446His (NM_001193302.2); c.1436T>A, p.Leu479His (NM_001370568.1); c.1226T>A, p.Leu409His (NM_001370569.1, NM_001370571.1); short protein forms L446H, L409H, L479H, L578H.
Identifiers: ClinVar variation 2131817 (VCV002131817.5), dbSNP rs1028987356, ClinGen allele CA31004124.

ClinVar aggregate classification (germline): Uncertain significance. Review status: criteria provided, multiple submitters, no conflicts (2 of 4 stars). 2 submissions from 2 submitters: Uncertain significance (2). Last evaluated 2022-04-29.

Allele frequency attached by ClinVar (database versions not stated): gnomAD exomes below 0.00001; TOPMed below 0.00001; gnomAD 0.00001.
gnomAD v4.1: 2 of 1,613,966 alleles (0.00012%); highest among the groups gnomAD compares: Non-Finnish European, 0.00017%; no homozygotes.

Submissions (2):

Labcorp Genetics (formerly Invitae), Labcorp
Classification: Uncertain significance. Last evaluated: 2022-04-29. Review status: criteria provided, single submitter. Criteria: Invitae Variant Classification Sherloc (09022015). Collection method: clinical testing. Allele origin: germline.
Comment: This sequence change replaces leucine, which is neutral and non-polar, with histidine, which is basic and polar, at codon 578 of the SEMA4A protein (p.Leu578His). This variant is not present in population databases (gnomAD no frequency). This variant has not been reported in the literature in individuals affected with SEMA4A-related conditions. Algorithms developed to predict the effect of missense changes on protein structure and function (SIFT, PolyPhen-2, Align-GVGD) all suggest that this variant is likely to be disruptive. In summary, the available evidence is currently insufficient to determine the role of this variant in disease. Therefore, it has been classified as a Variant of Uncertain Significance.

Blueprint Genetics
Classification: Uncertain significance. Last evaluated: 2021-03-31. Review status: criteria provided, single submitter. Criteria: ACMG Guidelines, 2015. Collection method: clinical testing. Allele origin: germline.